The following is an entry in ClinVar:

ClinVar aggregate classification (germline): Likely pathogenic (1 of 4 stars; one submission).

Conditions:
3-methylcrotonyl-CoA carboxylase 1 deficiency (MCC1D). Also called: MCCD TYPE 1; METHYLCROTONYLGLYCINURIA TYPE I; MCC 1 deficiency; 3 Alpha methylcrotonylglycinuria 1. Identifiers: Orphanet 6, MedGen CN028786, MONDO:0008861, OMIM 210200.

Submission:

Labcorp Genetics (formerly Invitae), Labcorp
Classification: Likely pathogenic for 3-methylcrotonyl-CoA carboxylase 1 deficiency. Last evaluated: 2019-12-23. Review status: criteria provided, single submitter. Criteria: Invitae Variant Classification Sherloc (09022015). Collection method: clinical testing. Allele origin: germline.
Comment: This variant results in a copy number gain of the genomic region encompassing exons 2-3 of the MCCC1 gene. While the exact position of this variant cannot be determined from this data, sub-genic copy number gains are generally in tandem (PMID: 25640679) and may result in an absent or disrupted protein product. This variant has not been reported in the literature in individuals with MCCC1-related conditions. Loss-of-function variants in MCCC1 are known to be pathogenic (PMID: 11181649, 15359379, 22642865). In summary, the currently available evidence indicates that the variant is pathogenic, but additional data are needed to prove that conclusively. Therefore, this variant has been classified as Likely Pathogenic.

Literature cited by the submitters: PubMed 25640679; PubMed 11181649; PubMed 15359379; PubMed 22642865.

NC_000003.12:g.(?_183092399)_(183094615_?)dup

Gene: MCCC1 (methylcrotonyl-CoA carboxylase subunit 1; minus strand). Cytogenetic location: 3q27.1.
Variant type: Duplication.
Identifiers: ClinVar variation 832544 (VCV000832544.4).